The following is an entry in ClinVar:

NM_007194.4(CHEK2):c.847-13_849del

Gene: CHEK2 (checkpoint kinase 2; minus strand). Cytogenetic location: 22q12.1.
Variant type: Deletion.
Coding change: c.847-13_849del on transcript NM_007194.4 (MANE Select); 13 bases into the intron before coding-DNA position 847 through coding-DNA position 849, 16 bases deleted (CCCCTCTTCTTAGCCT).
Molecular consequence: splice acceptor variant.
Genome position (GRCh38, 1-based): chr22:28,703,564-28,703,579, AGGCTAAGAAGAGGGG deleted on the plus strand (CCCCTCTTCTTAGCCT on the coding strand, the reverse complement: CHEK2 is on the minus strand). VCF-style (leftmost placement, unchanged base first): chr22-28703563-AAGGCTAAGAAGAGGGG-A. GRCh37 (hg19) VCF-style: chr22-29099551-AAGGCTAAGAAGAGGGG-A.
Other names: c.184-13_186del (NM_001437942.1, NM_001257387.3); c.646-13_648del (NM_001349956.3); c.847-13_849del (NM_145862.3); c.940-13_942del (NM_001438295.1, NM_001438293.1); c.976-13_978del (NM_001438294.1, NM_001005735.3).
Identifiers: ClinVar variation 5034564 (VCV005034564.1).

ClinVar aggregate classification (germline): Likely pathogenic (1 of 4 stars; one submission).

Conditions:
Hereditary cancer-predisposing syndrome. Also called: Hereditary Cancer Syndrome; Neoplastic Syndromes, Hereditary; Tumor predisposition; Hereditary neoplastic syndrome. Identifiers: Orphanet 140162, MedGen C0027672, MeSH D009386, MONDO:0015356.

Submission:

Ambry Genetics
Classification: Likely pathogenic for Hereditary cancer-predisposing syndrome. Last evaluated: 2026-08-27. Review status: criteria provided, single submitter. Criteria: Ambry Variant Classification Scheme 2023. Collection method: clinical testing. Allele origin: germline.
Comment: The c.847-13_849del16 variant results from a deletion of 16 nucleotides between positions c.847-13 and c.849 and involves the canonical splice acceptor site before coding exon 7 of the CHEK2 gene. This variant is considered to be rare based on population cohorts in the Genome Aggregation Database (gnomAD). The canonical splice acceptor site is highly conserved in available vertebrate species. In silico splice site analysis predicts that this alteration will weaken the native splice acceptor site. The exact impact of this deletion on splicing and function is currently unknown. Variants that disrupt the canonical splice site are expected to cause aberrant splicing, resulting in an abnormal protein or a transcript that is subject to nonsense-mediated mRNA decay. As such, this variant is classified as likely pathogenic.